The following is an entry in ClinVar:

ClinVar aggregate classification (germline): Conflicting classifications of pathogenicity. Review status: criteria provided, conflicting classifications (1 of 4 stars). 3 submissions from 3 submitters: Uncertain significance (2); Benign (1). Last evaluated 2025-10-01.

Conditions:
Hereditary cancer-predisposing syndrome. Also called: Neoplastic Syndromes, Hereditary; Tumor predisposition; Hereditary neoplastic syndrome; Hereditary Cancer Syndrome. Identifiers: Orphanet 140162, MedGen C0027672, MeSH D009386, MONDO:0015356.
Retinoblastoma (RB1). Also called: RETINOBLASTOMA, SOMATIC. Identifiers: Orphanet 790, MedGen C0035335, MeSH D012175, MONDO:0008380, OMIM 180200, HP:0009919. Disease mechanism: loss of function. Inheritance: Both sporadic and heritable forms are tested..

Allele frequency attached by ClinVar (database versions not stated): TOPMed below 0.00001; gnomAD exomes 0.00001.

Submissions (3):

Labcorp Genetics (formerly Invitae), Labcorp
Classification: Benign for Retinoblastoma. Last evaluated: 2025-10-01. Review status: criteria provided, single submitter. Criteria: Invitae Variant Classification Sherloc (09022015). Collection method: clinical testing. Allele origin: germline.

Ambry Genetics
Classification: Uncertain significance for Hereditary cancer-predisposing syndrome. Last evaluated: 2025-02-10. Review status: criteria provided, single submitter. Criteria: Ambry Variant Classification Scheme 2023. Collection method: clinical testing. Allele origin: germline.
Comment: The p.M460V variant (also known as c.1378A>G), located in coding exon 14 of the RB1 gene, results from an A to G substitution at nucleotide position 1378. The methionine at codon 460 is replaced by valine, an amino acid with highly similar properties. This amino acid position is highly conserved in available vertebrate species. In addition, the in silico prediction for this alteration is inconclusive. Since supporting evidence is limited at this time, the clinical significance of this alteration remains unclear.

Illumina Laboratory Services, Illumina
Classification: Uncertain significance for Retinoblastoma. Last evaluated: 2018-01-12. Review status: criteria provided, single submitter. Criteria: ICSL Variant Classification Criteria 13 December 2019. Collection method: clinical testing. Allele origin: germline.

NM_000321.3(RB1):c.1378A>G (p.Met460Val)

Gene: RB1 (RB transcriptional corepressor 1; plus strand). Cytogenetic location: 13q14.2.
Variant type: single nucleotide variant.
Coding change: c.1378A>G on transcript NM_000321.3 (MANE Select); coding-DNA position 1378, A replaced by G.
Protein change: p.Met460Val; replaces methionine 460 with valine.
Molecular consequence: missense variant.
Genome position (GRCh38, 1-based): chr13:48,379,639, A>G. VCF-style: chr13-48379639-A-G. GRCh37 (hg19) VCF-style: chr13-48953775-A-G.
Other names: short protein forms M460V.
Identifiers: ClinVar variation 641495 (VCV000641495.18), dbSNP rs1258210045, ClinGen allele CA388162628.